The following is an entry in ClinVar:

ClinVar aggregate classification (germline): Uncertain significance (1 of 4 stars; one submission).

Conditions:
Inborn genetic diseases. Identifiers: MedGen C0950123, MeSH D030342.

Allele frequency attached by ClinVar (database versions not stated): gnomAD 0.00002; TOPMed 0.00002; ExAC 0.00003; gnomAD exomes 0.00004.

Submission:

Ambry Genetics
Classification: Uncertain significance for Inborn genetic diseases. Last evaluated: 2023-01-10. Review status: criteria provided, single submitter. Criteria: Ambry Variant Classification Scheme 2023. Collection method: clinical testing. Allele origin: germline.
Comment: The c.1448C>T (p.A483V) alteration is located in exon 8 (coding exon 8) of the ANKLE2 gene. This alteration results from a C to T substitution at nucleotide position 1448, causing the alanine (A) at amino acid position 483 to be replaced by a valine (V). The p.A483V alteration is predicted to be tolerated by in silico analysis. Based on insufficient or conflicting evidence, the clinical significance of this alteration remains unclear.

NM_015114.3(ANKLE2):c.1448C>T (p.Ala483Val)

Gene: ANKLE2 (ankyrin repeat and LEM domain containing 2; minus strand). Cytogenetic location: 12q24.33.
Variant type: single nucleotide variant.
Coding change: c.1448C>T on transcript NM_015114.3 (MANE Select); coding-DNA position 1448, C replaced by T.
Protein change: p.Ala483Val; replaces alanine 483 with valine.
Molecular consequence: missense variant.
Genome position (GRCh38, 1-based): chr12:132,737,038, G>A on the plus strand (C>T on the coding strand, the complement: ANKLE2 is on the minus strand). VCF-style: chr12-132737038-G-A. GRCh37 (hg19) VCF-style: chr12-133313624-G-A.
Other names: short protein forms A483V.
Identifiers: ClinVar variation 2230070 (VCV002230070.3), dbSNP rs770590525, ClinGen allele CA6895595.